The following is an entry in ClinVar:

ClinVar aggregate classification (germline): Conflicting classifications of pathogenicity. Review status: criteria provided, conflicting classifications (1 of 4 stars). 3 submissions from 3 submitters: Uncertain significance (1); Likely benign (2). Last evaluated 2025-03-31.

Conditions:
Inborn genetic diseases. Identifiers: MedGen C0950123, MeSH D030342.

Allele frequency attached by ClinVar (database versions not stated): gnomAD exomes 0.00004; TOPMed 0.00008; gnomAD 0.00009; ExAC 0.00013.
gnomAD v4.1: 80 of 1,551,148 alleles (0.0052%); highest among the groups gnomAD compares: Admixed American, 0.04%; 1 homozygote.

Submissions (3):

Labcorp Genetics (formerly Invitae), Labcorp
Classification: Likely benign. Last evaluated: 2025-03-31. Review status: criteria provided, single submitter. Criteria: Invitae Variant Classification Sherloc (09022015). Collection method: clinical testing. Allele origin: germline.

Ambry Genetics
Classification: Uncertain significance for Inborn genetic diseases. Last evaluated: 2025-02-20. Review status: criteria provided, single submitter. Criteria: Ambry Variant Classification Scheme 2023. Collection method: clinical testing. Allele origin: germline.

CeGaT Center for Human Genetics Tuebingen
Classification: Likely benign. Last evaluated: 2024-08-01. Review status: criteria provided, single submitter. Criteria: CeGaT Center For Human Genetics Tuebingen Variant Classification Criteria Version 2. Collection method: clinical testing. Allele origin: germline. Affected: yes. Observed: 1 variant allele.
Comment: LAMA5: BP4

NM_005560.6(LAMA5):c.10327G>A (p.Gly3443Arg)

Gene: LAMA5 (laminin subunit alpha 5; minus strand). Cytogenetic location: 20q13.33.
Variant type: single nucleotide variant.
Coding change: c.10327G>A on transcript NM_005560.6 (MANE Select); coding-DNA position 10327, G replaced by A.
Protein change: p.Gly3443Arg; replaces glycine 3443 with arginine.
Molecular consequence: missense variant.
Genome position (GRCh38, 1-based): chr20:62,310,784, C>T on the plus strand (G>A on the coding strand, the complement: LAMA5 is on the minus strand). VCF-style: chr20-62310784-C-T. GRCh37 (hg19) VCF-style: chr20-60885840-C-T.
Other names: c.10327G>A (NM_005560.3); short protein forms G3443R.
Identifiers: ClinVar variation 2189971 (VCV002189971.22), dbSNP rs772529811, ClinGen allele CA9939825.